The following is an entry in ClinVar:

ClinVar aggregate classification (germline): Uncertain significance (1 of 4 stars; one submission).

Submission:

GeneDx
Classification: Uncertain significance. Last evaluated: 2023-05-25. Review status: criteria provided, single submitter. Criteria: GeneDx Variant Classification Process June 2021. Collection method: clinical testing. Allele origin: germline. Affected: yes.
Comment: Not observed at significant frequency in large population cohorts (gnomAD); In silico analysis supports that this missense variant does not alter protein structure/function; Has not been previously published as pathogenic or benign to our knowledge

NM_001042681.2(RERE):c.440T>C (p.Leu147Ser)

Gene: RERE (arginine-glutamic acid dipeptide repeats; minus strand). Cytogenetic location: 1p36.23.
Variant type: single nucleotide variant.
Coding change: c.440T>C on transcript NM_001042681.2 (MANE Select); coding-DNA position 440, T replaced by C.
Protein change: p.Leu147Ser; replaces leucine 147 with serine.
Molecular consequence: missense variant.
Genome position (GRCh38, 1-based): chr1:8,614,643, A>G on the plus strand (T>C on the coding strand, the complement: RERE is on the minus strand). VCF-style: chr1-8614643-A-G. GRCh37 (hg19) VCF-style: chr1-8674702-A-G.
Other names: c.440T>C, p.Leu147Ser (NM_012102.4); short protein forms L147S.
Identifiers: ClinVar variation 3362087 (VCV003362087.1).